The following is an entry in ClinVar:

NM_004667.6(HERC2):c.10587G>A (p.Pro3529=)

Gene: HERC2 (HECT and RLD domain containing E3 ubiquitin protein ligase 2; minus strand). Cytogenetic location: 15q13.1.
Variant type: single nucleotide variant.
Coding change: c.10587G>A on transcript NM_004667.6 (MANE Select); coding-DNA position 10587, G replaced by A.
Protein change: p.Pro3529=; no amino-acid change (proline 3529 retained).
Molecular consequence: synonymous variant.
Genome position (GRCh38, 1-based): chr15:28,163,253, C>T on the plus strand (G>A on the coding strand, the complement: HERC2 is on the minus strand). VCF-style: chr15-28163253-C-T. GRCh37 (hg19) VCF-style: chr15-28408399-C-T.
Identifiers: ClinVar variation 2645046 (VCV002645046.24), dbSNP rs761279405, ClinGen allele CA7440792.

ClinVar aggregate classification (germline): Likely benign (1 of 4 stars; one submission).

Allele frequency attached by ClinVar (database versions not stated): ExAC 0.00002; gnomAD 0.00002; TOPMed 0.00002.
gnomAD v4.1: 23 of 1,613,462 alleles (0.0014%); highest among the groups gnomAD compares: Middle Eastern, 0.033%; no homozygotes.

Submission:

CeGaT Center for Human Genetics Tuebingen
Classification: Likely benign. Last evaluated: 2026-07-01. Review status: criteria provided, single submitter. Criteria: CeGaT Center For Human Genetics Tuebingen Variant Classification Criteria Version 2. Collection method: clinical testing. Allele origin: germline. Affected: yes. Observed: 5 variant alleles.
Comment: HERC2: BP4, BP7